The following is an entry in ClinVar:

NM_015690.5(STK36):c.1659C>G (p.Ser553Arg)

Gene: STK36 (serine/threonine kinase 36; plus strand). Cytogenetic location: 2q35.
Variant type: single nucleotide variant.
Coding change: c.1659C>G on transcript NM_015690.5 (MANE Select); coding-DNA position 1659, C replaced by G.
Protein change: p.Ser553Arg; replaces serine 553 with arginine.
Molecular consequence: missense variant.
Genome position (GRCh38, 1-based): chr2:218,690,450, C>G. VCF-style: chr2-218690450-C-G. GRCh37 (hg19) VCF-style: chr2-219555173-C-G.
Other names: c.1659C>G, p.Ser553Arg (NM_001243313.2, NM_001369423.1); short protein forms S553R.
Identifiers: ClinVar variation 2399505 (VCV002399505.4), dbSNP rs185745664, ClinGen allele CA2110872.

ClinVar aggregate classification (germline): Uncertain significance. Review status: criteria provided, multiple submitters, no conflicts (2 of 4 stars). 3 submissions from 3 submitters: Uncertain significance (3). Last evaluated 2026-04-10.

Conditions:
STK36-related disorder. Also called: STK36-related condition.

Allele frequency attached by ClinVar (database versions not stated): TOPMed 0.00021; ESP Exome Variant Server 0.00023; ExAC 0.00027; 1000 Genomes Project 30x 0.00016; gnomAD 0.00017; 1000 Genomes Project 0.00020.

Submissions (3):

PreventionGenetics, part of Exact Sciences
Classification: Uncertain significance for STK36-related condition. Last evaluated: 2026-04-10. Review status: criteria provided, single submitter. Criteria: ACMG Guidelines, 2015. Collection method: clinical testing. Allele origin: germline.
Comment: The STK36 c.1659C>G variant is predicted to result in the amino acid substitution p.Ser553Arg. To our knowledge, this variant has not been reported in the literature. This variant is reported in 0.041% of alleles in individuals of European (Non-Finnish) descent in gnomAD. At this time, the clinical significance of this variant is uncertain due to the absence of conclusive functional and genetic evidence.

Blueprint Genetics
Classification: Uncertain significance. Last evaluated: 2024-10-02. Review status: criteria provided, single submitter. Criteria: ACMG Guidelines, 2015. Collection method: clinical testing. Allele origin: germline.

Ambry Genetics
Classification: Uncertain significance. Last evaluated: 2022-11-07. Review status: criteria provided, single submitter. Criteria: Ambry Variant Classification Scheme 2023. Collection method: clinical testing. Allele origin: germline.